The following is an entry in ClinVar:

ClinVar aggregate classification (germline): Uncertain significance (1 of 4 stars; one submission).

gnomAD v4.1: 1 of 1,613,946 alleles (0.000062%); highest among the groups gnomAD compares: Non-Finnish European, 0.000085%; no homozygotes.

Submission:

Women's Health and Genetics/Laboratory Corporation of America, LabCorp
Classification: Uncertain significance. Last evaluated: 2025-12-23. Review status: criteria provided, single submitter. Criteria: LabCorp Variant Classification Summary - May 2015. Collection method: clinical testing. Allele origin: germline.
Comment: Variant summary: PLA2G6 c.1879G>A (p.Asp627Asn) results in a conservative amino acid change in the encoded protein sequence. Algorithms developed to predict the effect of missense changes on protein structure and function are either unavailable or do not agree on the potential impact of this missense change. The variant was absent in 251240 control chromosomes. These data indicate that the variant may be associated with disease. To our knowledge, no experimental evidence demonstrating an impact on protein function has been reported. No submitters have cited clinical-significance assessments for this variant to ClinVar. Based on the evidence outlined above, the variant was classified as VUS-possibly pathogenic.

NM_003560.4(PLA2G6):c.1879G>A (p.Asp627Asn)

Gene: PLA2G6 (phospholipase A2 group VI; minus strand). Cytogenetic location: 22q13.1.
Variant type: single nucleotide variant.
Coding change: c.1879G>A on transcript NM_003560.4 (MANE Select); coding-DNA position 1879, G replaced by A.
Protein change: p.Asp627Asn; replaces aspartic acid 627 with asparagine.
Molecular consequence: missense variant.
Genome position (GRCh38, 1-based): chr22:38,116,075, C>T on the plus strand (G>A on the coding strand, the complement: PLA2G6 is on the minus strand). VCF-style: chr22-38116075-C-T. GRCh37 (hg19) VCF-style: chr22-38512082-C-T.
Other names: c.1717G>A, p.Asp573Asn (NM_001004426.3, NM_001199562.3, NM_001349865.2 and 1 more transcripts); c.1879G>A, p.Asp627Asn (NM_001349864.2); c.1345G>A, p.Asp449Asn (NM_001349867.2); c.1201G>A, p.Asp401Asn (NM_001349868.2); c.1183G>A, p.Asp395Asn (NM_001349869.2); short protein forms D395N, D401N, D449N, D573N, D627N.
Identifiers: ClinVar variation 4688878 (VCV004688878.1).